The following is an entry in ClinVar:

ClinVar aggregate classification (germline): Uncertain significance (1 of 4 stars; one submission).

Submission:

Labcorp Genetics (formerly Invitae), Labcorp
Classification: Uncertain significance. Last evaluated: 2022-11-30. Review status: criteria provided, single submitter. Criteria: Invitae Variant Classification Sherloc (09022015). Collection method: clinical testing. Allele origin: germline.
Comment: This sequence change replaces proline, which is neutral and non-polar, with serine, which is neutral and polar, at codon 91 of the FBLN5 protein (p.Pro91Ser). This variant is not present in population databases (gnomAD no frequency). In summary, the available evidence is currently insufficient to determine the role of this variant in disease. Therefore, it has been classified as a Variant of Uncertain Significance. Algorithms developed to predict the effect of sequence changes on RNA splicing suggest that this variant may create or strengthen a splice site. Algorithms developed to predict the effect of missense changes on protein structure and function output the following: SIFT: "Tolerated"; PolyPhen-2: "Benign"; Align-GVGD: "Class C0". The serine amino acid residue is found in multiple mammalian species, which suggests that this missense change does not adversely affect protein function. This variant has not been reported in the literature in individuals affected with FBLN5-related conditions.

NM_006329.4(FBLN5):c.271C>T (p.Pro91Ser)

Gene: FBLN5 (fibulin 5; minus strand). Cytogenetic location: 14q32.12.
Variant type: single nucleotide variant.
Coding change: c.271C>T on transcript NM_006329.4 (MANE Select); coding-DNA position 271, C replaced by T.
Protein change: p.Pro91Ser; replaces proline 91 with serine.
Molecular consequence: missense variant.
Genome position (GRCh38, 1-based): chr14:91,937,055, G>A on the plus strand (C>T on the coding strand, the complement: FBLN5 is on the minus strand). VCF-style: chr14-91937055-G-A. GRCh37 (hg19) VCF-style: chr14-92403399-G-A.
Other names: c.394C>T, p.Pro132Ser (NM_001384158.1); c.322C>T, p.Pro108Ser (NM_001384159.1); c.271C>T, p.Pro91Ser (NM_001384160.1); c.103C>T, p.Pro35Ser (NM_001384161.1, NM_001384162.1); short protein forms P108S, P35S, P91S, P132S.
Identifiers: ClinVar variation 3001487 (VCV003001487.3), dbSNP rs2542900563, ClinGen allele CA390639829.